The following is an entry in ClinVar:

ClinVar aggregate classification (germline): Uncertain significance (1 of 4 stars; one submission).

Submission:

Labcorp Genetics (formerly Invitae), Labcorp
Classification: Uncertain significance. Last evaluated: 2024-10-25. Review status: criteria provided, single submitter. Criteria: Invitae Variant Classification Sherloc (09022015). Collection method: clinical testing. Allele origin: germline.
Comment: This sequence change replaces alanine, which is neutral and non-polar, with methionine, which is neutral and non-polar, at codon 978 of the IMPG2 protein (p.Ala978Met). The frequency data for this variant in the population databases is considered unreliable, as metrics indicate poor data quality at this position in the gnomAD database. This variant has not been reported in the literature in individuals affected with IMPG2-related conditions. ClinVar contains an entry for this variant (Variation ID: 851262). An algorithm developed to predict the effect of missense changes on protein structure and function (PolyPhen-2) suggests that this variant is likely to be disruptive. In summary, the available evidence is currently insufficient to determine the role of this variant in disease. Therefore, it has been classified as a Variant of Uncertain Significance.

NM_016247.4(IMPG2):c.2932_2933delinsAT (p.Ala978Met)

Gene: IMPG2 (interphotoreceptor matrix proteoglycan 2; minus strand). Cytogenetic location: 3q12.3.
Variant type: Indel.
Coding change: c.2932_2933delinsAT on transcript NM_016247.4 (MANE Select); coding-DNA positions 2932 to 2933, GC replaced by AT.
Protein change: p.Ala978Met; replaces alanine 978 with methionine.
Molecular consequence: missense variant.
Genome position (GRCh38, 1-based): chr3:101,242,777-101,242,778, GC replaced by AT on the plus strand (GC replaced by AT on the coding strand, the reverse complement: IMPG2 is on the minus strand). VCF-style: chr3-101242777-GC-AT. GRCh37 (hg19) VCF-style: chr3-100961621-GC-AT.
Other names: short protein forms A978M.
Identifiers: ClinVar variation 851262 (VCV000851262.6), dbSNP rs1706424353, ClinGen allele CA916082586.